The following is an entry in ClinVar:

ClinVar aggregate classification (germline): Pathogenic (1 of 4 stars; one submission).

Conditions:
Ataxia-telangiectasia syndrome (AT). Also called: ATAXIA-TELANGIECTASIA, COMPLEMENTATION GROUP A; ATAXIA-TELANGIECTASIA, FRESNO VARIANT; Ataxia-telangiectasia; Ataxia-telangiectasia, complementation group E; LOUIS-BAR SYNDROME; Cerebello-oculocutaneous telangiectasia. Identifiers: Orphanet 100, MedGen C0004135, MONDO:0008840, OMIM 208900.

Submission:

Labcorp Genetics (formerly Invitae), Labcorp
Classification: Pathogenic for Ataxia-telangiectasia syndrome. Last evaluated: 2022-02-21. Review status: criteria provided, single submitter. Criteria: Invitae Variant Classification Sherloc (09022015). Collection method: clinical testing. Allele origin: germline.
Comment: For these reasons, this variant has been classified as Pathogenic. This variant has not been reported in the literature in individuals affected with ATM-related conditions. This variant is not present in population databases (gnomAD no frequency). This sequence change creates a premature translational stop signal (p.Ile2030Leufs*17) in the ATM gene. It is expected to result in an absent or disrupted protein product. Loss-of-function variants in ATM are known to be pathogenic (PMID: 23807571, 25614872).

Literature cited by the submitters: PubMed 23807571; PubMed 25614872.

NM_000051.4(ATM):c.6087del (p.Ile2030fs)

Genes: ATM (ATM serine/threonine kinase; plus strand), C11orf65 (chromosome 11 open reading frame 65; minus strand). Cytogenetic location: 11q22.3.
Variant type: Deletion.
Coding change: c.6087del on transcript NM_000051.4 (MANE Select); coding-DNA position 6087, one base deleted (C; older notation c.6087delC).
Protein change: p.Ile2030fs; shifts the reading frame from isoleucine 2030.
Molecular consequence: frameshift variant. On other transcripts: intron variant (2).
Genome position (GRCh38, 1-based): chr11:108,315,903, C deleted; the last of 3 consecutive C bases (chr11:108,315,901-108,315,903); deleting any one gives the same sequence. VCF-style (leftmost placement, unchanged base first): chr11-108315900-AC-A. GRCh37 (hg19) VCF-style: chr11-108186627-AC-A.
Other names: c.6087del, p.Ile2030fs (NM_001351834.2); c.641-6830del (NM_001330368.2); c.*39-6830del (NM_001351110.2); short protein forms I2030fs.
Identifiers: ClinVar variation 2100794 (VCV002100794.4), dbSNP rs2547090542, ClinGen allele CA2580083058.